The following is an entry in ClinVar:

NM_002076.4(GNS):c.253-10del

Gene: GNS (glucosamine (N-acetyl)-6-sulfatase; minus strand). Cytogenetic location: 12q14.3.
Variant type: Deletion.
Coding change: c.253-10del on transcript NM_002076.4 (MANE Select); 10 bases into the intron before coding-DNA position 253, one base deleted (T; older notation c.253-10delT).
Molecular consequence: intron variant.
Genome position (GRCh38, 1-based): chr12:64,747,928, A deleted on the plus strand (T on the coding strand, the reverse complement: GNS is on the minus strand); the first of 3 consecutive A bases (chr12:64,747,928-64,747,930); deleting any one gives the same sequence. VCF-style (leftmost placement, unchanged base first): chr12-64747927-GA-G. GRCh37 (hg19) VCF-style: chr12-65141707-GA-G.
Other names: NC_000012.11:g.65141710del; c.253-12del (NM_002076.4); c.253-10del (NM_002076.3).
Identifiers: ClinVar variation 517671 (VCV000517671.22), dbSNP rs201654719, ClinGen allele CA6669982.

ClinVar aggregate classification (germline): Benign/Likely benign. Review status: criteria provided, multiple submitters, no conflicts (2 of 4 stars). 7 submissions from 7 submitters: Benign (2); Likely benign (1). 4 of the submissions do not count toward it. Last evaluated 2026-02-04.

Conditions:
Sanfilippo syndrome. Also called: Sanfilippo disease; Mucopolysaccharidosis type 3; Mucopolysaccharidosis Type III. Identifiers: Orphanet 581, MedGen C0026706, MONDO:0018937.
Mucopolysaccharidosis, MPS-III-D (MPS3D). Also called: N-ACETYLGLUCOSAMINE-6-SULFATASE DEFICIENCY; SANFILIPPO SYNDROME D; MPS IIID (Sanfilippo Syndrome Type D); MPS III D; Mucopoly-saccharidosis type 3D; N-acetylglucosamine-6-sulfate sulfatase deficiency. Identifiers: Orphanet 581, Orphanet 79272, MedGen C0086650, MONDO:0009658, OMIM 252940.

Submissions (8):

Labcorp Genetics (formerly Invitae), Labcorp
Classification: Benign for Mucopolysaccharidosis, MPS-III-D. Last evaluated: 2026-02-04. Review status: criteria provided, single submitter. Criteria: Invitae Variant Classification Sherloc (09022015). Collection method: clinical testing. Allele origin: germline.

GeneDx
Classification: Likely benign. Last evaluated: 2017-02-09. Review status: criteria provided, single submitter. Criteria: GeneDx Variant Classification (06012015). Collection method: clinical testing. Allele origin: germline. Affected: yes.
Comment: This variant is considered likely benign or benign based on one or more of the following criteria: it is a conservative change, it occurs at a poorly conserved position in the protein, it is predicted to be benign by multiple in silico algorithms, and/or has population frequency not consistent with disease.

Clinical Genetics DNA and cytogenetics Diagnostics Lab, Erasmus MC, Erasmus Medical Center
Classification: Benign for Mucopolysaccharidosis, MPS-III-D. Last evaluated: 2015-09-21. Review status: criteria provided, single submitter. Criteria: ACGS Guidelines, 2013. Collection method: clinical testing. Allele origin: germline. Affected: yes. Study: VKGL Data-share Consensus.

Natera, Inc.
Classification: Benign for Sanfilippo disease. Last evaluated: 2019-09-25. Review status: no assertion criteria provided. Collection method: clinical testing. Allele origin: germline. Not counted in ClinVar's aggregate classification.

Mayo Clinic Laboratories, Mayo Clinic
Classification: Likely benign. Last evaluated: 2017-11-03. Review status: no assertion criteria provided. Collection method: clinical testing. Allele origin: unknown. Not counted in ClinVar's aggregate classification.

Clinical Genetics, Academic Medical Center
Classification: Benign. Review status: no assertion criteria provided. Collection method: clinical testing. Allele origin: germline. Affected: yes. Study: VKGL Data-share Consensus. Not counted in ClinVar's aggregate classification.

Diagnostic Laboratory, Department of Genetics, University Medical Center Groningen
Classification: Likely benign. Review status: no assertion criteria provided. Collection method: clinical testing. Allele origin: germline. Affected: yes. Study: VKGL Data-share Consensus. Not counted in ClinVar's aggregate classification.

Dr. Peter K. Rogan Lab, Western University
No classification provided (evidence only). Condition: Nonpapillary renal cell carcinoma. Review status: no classification provided. Collection method: in vitro. Allele origin: not applicable. Functional consequence: retained intron. Not counted in ClinVar's aggregate classification.